The following is an entry in ClinVar:

NM_001321120.2(TBX4):c.872G>A (p.Gly291Asp)

Gene: TBX4 (T-box transcription factor 4; plus strand). Cytogenetic location: 17q23.2.
Variant type: single nucleotide variant.
Coding change: c.872G>A on transcript NM_001321120.2 (MANE Select); coding-DNA position 872, G replaced by A.
Protein change: p.Gly291Asp; replaces glycine 291 with aspartic acid.
Molecular consequence: missense variant.
Genome position (GRCh38, 1-based): chr17:61,480,170, G>A. VCF-style: chr17-61480170-G-A. GRCh37 (hg19) VCF-style: chr17-59557531-G-A.
Other names: c.872G>A, p.Gly291Asp (NM_018488.3); short protein forms G291D.
Identifiers: ClinVar variation 4752810 (VCV004752810.1).

ClinVar aggregate classification (germline): Uncertain significance (1 of 4 stars; one submission).

Submission:

Labcorp Genetics (formerly Invitae), Labcorp
Classification: Uncertain significance. Last evaluated: 2025-03-27. Review status: criteria provided, single submitter. Criteria: Invitae Variant Classification Sherloc (09022015). Collection method: clinical testing. Allele origin: germline.
Comment: This sequence change replaces glycine, which is neutral and non-polar, with aspartic acid, which is acidic and polar, at codon 291 of the TBX4 protein (p.Gly291Asp). This variant is present in population databases (no rsID available, gnomAD 0.007%). This variant has not been reported in the literature in individuals affected with TBX4-related conditions. Invitae Evidence Modeling of protein sequence and biophysical properties (such as structural, functional, and spatial information, amino acid conservation, physicochemical variation, residue mobility, and thermodynamic stability) indicates that this missense variant is not expected to disrupt TBX4 protein function with a negative predictive value of 95%. In summary, the available evidence is currently insufficient to determine the role of this variant in disease. Therefore, it has been classified as a Variant of Uncertain Significance.